The following is an entry in ClinVar:

NM_002547.3(OPHN1):c.2275C>G (p.Pro759Ala)

Gene: OPHN1 (oligophrenin 1; minus strand). Cytogenetic location: Xq12.
Variant type: single nucleotide variant.
Coding change: c.2275C>G on transcript NM_002547.3 (MANE Select); coding-DNA position 2275, C replaced by G.
Protein change: p.Pro759Ala; replaces proline 759 with alanine.
Molecular consequence: missense variant.
Genome position (GRCh38, 1-based): chrX:68,053,694, G>C on the plus strand (C>G on the coding strand, the complement: OPHN1 is on the minus strand). VCF-style: chrX-68053694-G-C. GRCh37 (hg19) VCF-style: chrX-67273536-G-C.
Other names: short protein forms P759A.
Identifiers: ClinVar variation 2730879 (VCV002730879.3), dbSNP rs2519619548, ClinGen allele CA413429861.
Genomic context (GRCh38, chrX:68,053,694, plus strand): 5'-ACCCTACTTACACAGATGATGTGATTTCCCCCGCATTGCCAGCCACAATATCTGGCTTTG[G>C]TTCTGGCTTTTGGGGAGTAGCTGCCCGGCAGGGAGGATCTGGGGGCCTCACTGGGGGGCG-3'
Protein context (NP_002538.1, residues 749-769): CRAATPQKPE[Pro759Ala]KPDIVAGNAG

ClinVar aggregate classification (germline): Uncertain significance (1 of 4 stars; one submission).

Submission:

Labcorp Genetics (formerly Invitae), Labcorp
Classification: Uncertain significance. Last evaluated: 2023-08-28. Review status: criteria provided, single submitter. Criteria: Invitae Variant Classification Sherloc (09022015). Collection method: clinical testing. Allele origin: germline.
Comment: In summary, the available evidence is currently insufficient to determine the role of this variant in disease. Therefore, it has been classified as a Variant of Uncertain Significance. An algorithm developed to predict the effect of missense changes on protein structure and function (PolyPhen-2) suggests that this variant is likely to be tolerated. This variant has not been reported in the literature in individuals affected with OPHN1-related conditions. This variant is not present in population databases (gnomAD no frequency). This sequence change replaces proline, which is neutral and non-polar, with alanine, which is neutral and non-polar, at codon 759 of the OPHN1 protein (p.Pro759Ala).